The following is an entry in ClinVar:

NM_033409.4(SLC52A3):c.1073+10C>T

Gene: SLC52A3 (solute carrier family 52 member 3; minus strand). Cytogenetic location: 20p13.
Variant type: single nucleotide variant.
Coding change: c.1073+10C>T on transcript NM_033409.4 (MANE Select); 10 bases into the intron after coding-DNA position 1073, C replaced by T.
Molecular consequence: intron variant.
Genome position (GRCh38, 1-based): chr20:763,488, G>A on the plus strand (C>T on the coding strand, the complement: SLC52A3 is on the minus strand). VCF-style: chr20-763488-G-A. GRCh37 (hg19) VCF-style: chr20-744132-G-A.
Other names: c.1073+10C>T (NM_001370085.1, NM_001370086.1).
Identifiers: ClinVar variation 1105297 (VCV001105297.32), dbSNP rs767166849, ClinGen allele CA9724623.

ClinVar aggregate classification (germline): Likely benign. Review status: criteria provided, multiple submitters, no conflicts (2 of 4 stars). 2 submissions from 2 submitters: Likely benign (2). Last evaluated 2024-01-24.

Conditions:
Brown-Vialetto-van Laere syndrome 1. Also called: BROWN-VIALETTO-VAN LAERE SYNDROME 1, MILD; BULBAR PALSY, PROGRESSIVE, WITH SENSORINEURAL DEAFNESS; PONTOBULBAR PALSY WITH DEAFNESS. Identifiers: Orphanet 572550, Orphanet 97229, MedGen C0796274, MONDO:0024537, OMIM 211530.

Allele frequency attached by ClinVar (database versions not stated): ExAC 0.00001; gnomAD 0.00001; gnomAD exomes 0.00002.
gnomAD v4.1: 14 of 1,613,762 alleles (0.00087%); highest among the groups gnomAD compares: Non-Finnish European, 0.0012%; no homozygotes.

Submissions (2):

Labcorp Genetics (formerly Invitae), Labcorp
Classification: Likely benign for Brown-Vialetto-van Laere syndrome 1. Last evaluated: 2024-01-24. Review status: criteria provided, single submitter. Criteria: Invitae Variant Classification Sherloc (09022015). Collection method: clinical testing. Allele origin: germline.

CeGaT Center for Human Genetics Tuebingen
Classification: Likely benign. Last evaluated: 2022-08-01. Review status: criteria provided, single submitter. Criteria: CeGaT Center For Human Genetics Tuebingen Variant Classification Criteria Version 2. Collection method: clinical testing. Allele origin: germline. Affected: yes. Observed: 1 variant allele.
Comment: SLC52A3: BP4, BP7